The following is an entry in ClinVar:

NM_005751.5(AKAP9):c.9024+1G>C

Gene: AKAP9 (A-kinase anchoring protein 9; plus strand). Cytogenetic location: 7q21.2.
Variant type: single nucleotide variant.
Coding change: c.9024+1G>C on transcript NM_005751.5 (MANE Select); the canonical splice donor site of the intron after coding-DNA position 9024, G replaced by C.
Molecular consequence: splice donor variant.
Genome position (GRCh38, 1-based): chr7:92,085,687, G>C. VCF-style: chr7-92085687-G-C. GRCh37 (hg19) VCF-style: chr7-91715001-G-C.
Other names: c.9000+1G>C (NM_147185.3); c.3669+1G>C (NM_001379277.1).
Identifiers: ClinVar variation 3688280 (VCV003688280.2).

ClinVar aggregate classification (germline): Uncertain significance (1 of 4 stars; one submission).

Conditions:
Long QT syndrome (LQTS). Identifiers: MedGen C0023976, MeSH D008133, MONDO:0002442. Disease mechanism: loss of function. Inheritance: Various modes of inheritance.

Submission:

Labcorp Genetics (formerly Invitae), Labcorp
Classification: Uncertain significance for Long QT syndrome. Last evaluated: 2024-12-24. Review status: criteria provided, single submitter. Criteria: Invitae Variant Classification Sherloc (09022015). Collection method: clinical testing. Allele origin: germline.
Comment: This sequence change affects a donor splice site in intron 36 of the AKAP9 gene. It is expected to disrupt RNA splicing. Variants that disrupt the donor or acceptor splice site typically lead to a loss of protein function (PMID: 16199547), however the current clinical and genetic evidence is not sufficient to establish whether loss-of-function variants in AKAP9 cause disease. This variant is not present in population databases (gnomAD no frequency). This variant has not been reported in the literature in individuals affected with AKAP9-related conditions. Algorithms developed to predict the effect of sequence changes on RNA splicing suggest that this variant may disrupt the consensus splice site. In summary, the available evidence is currently insufficient to determine the role of this variant in disease. Therefore, it has been classified as a Variant of Uncertain Significance.

Literature cited by the submitters: PubMed 16199547.